The following is an entry in ClinVar:

NM_017514.5(PLXNA3):c.3090C>T (p.Pro1030=)

Gene: PLXNA3 (plexin A3; plus strand). Cytogenetic location: Xq28.
Variant type: single nucleotide variant.
Coding change: c.3090C>T on transcript NM_017514.5 (MANE Select); coding-DNA position 3090, C replaced by T.
Protein change: p.Pro1030=; no amino-acid change (proline 1030 retained).
Molecular consequence: synonymous variant.
Genome position (GRCh38, 1-based): chrX:154,466,776, C>T. VCF-style: chrX-154466776-C-T. GRCh37 (hg19) VCF-style: chrX-153695119-C-T.
Identifiers: ClinVar variation 4977426 (VCV004977426.1).

ClinVar aggregate classification (germline): Likely benign (1 of 4 stars; one submission).

Conditions:
PLXNA3-related disorder. Also called: PLXNA3-related condition.

gnomAD v4.1: 63 of 1,183,125 alleles (0.0053%); highest among the groups gnomAD compares: Non-Finnish European, 0.0068%; no homozygotes.

Submission:

PreventionGenetics, part of Exact Sciences
Classification: Likely benign for PLXNA3-related condition. Last evaluated: 2024-10-07. Review status: criteria provided, single submitter. Criteria: ACMG Guidelines, 2015. Collection method: clinical testing. Allele origin: germline.
Comment: This variant is classified as likely benign based on ACMG/AMP sequence variant interpretation guidelines (Richards et al. 2015 PMID: 25741868, with internal and published modifications).